The following is an entry in ClinVar:

NM_020810.3(TRMT5):c.110C>T (p.Ser37Phe)

Gene: TRMT5 (tRNA methyltransferase 5; minus strand). Cytogenetic location: 14q23.1.
Variant type: single nucleotide variant.
Coding change: c.110C>T on transcript NM_020810.3 (MANE Select); coding-DNA position 110, C replaced by T.
Protein change: p.Ser37Phe; replaces serine 37 with phenylalanine.
Molecular consequence: missense variant.
Genome position (GRCh38, 1-based): chr14:60,979,788, G>A on the plus strand (C>T on the coding strand, the complement: TRMT5 is on the minus strand). VCF-style: chr14-60979788-G-A. GRCh37 (hg19) VCF-style: chr14-61446506-G-A.
Other names: c.194C>T, p.Ser65Phe (NM_001350253.1); c.191C>T, p.Ser64Phe (NM_001350254.1); short protein forms S37F, S65F, S64F.
Identifiers: ClinVar variation 1966770 (VCV001966770.5), dbSNP rs1360786033, ClinGen allele CA389921626.

ClinVar aggregate classification (germline): Uncertain significance (1 of 4 stars; one submission).

gnomAD v4.1: 4 of 1,613,782 alleles (0.00025%); highest among the groups gnomAD compares: Non-Finnish European, 0.00034%; no homozygotes.

Submission:

Labcorp Genetics (formerly Invitae), Labcorp
Classification: Uncertain significance. Last evaluated: 2022-08-08. Review status: criteria provided, single submitter. Criteria: Invitae Variant Classification Sherloc (09022015). Collection method: clinical testing. Allele origin: germline.
Comment: This sequence change replaces serine, which is neutral and polar, with phenylalanine, which is neutral and non-polar, at codon 37 of the TRMT5 protein (p.Ser37Phe). In summary, the available evidence is currently insufficient to determine the role of this variant in disease. Therefore, it has been classified as a Variant of Uncertain Significance. Algorithms developed to predict the effect of missense changes on protein structure and function (SIFT, PolyPhen-2, Align-GVGD) all suggest that this variant is likely to be tolerated. This variant has not been reported in the literature in individuals affected with TRMT5-related conditions. This variant is not present in population databases (gnomAD no frequency).